The following is an entry in ClinVar:

ClinVar aggregate classification (germline): Likely benign. Review status: criteria provided, multiple submitters, no conflicts (2 of 4 stars). 5 submissions from 5 submitters: Likely benign (4). 1 of the submissions does not count toward it. Last evaluated 2026-01-22.

Conditions:
Usher syndrome type 1 (USH1). Also called: RETINITIS PIGMENTOSA AND CONGENITAL DEAFNESS. Identifiers: Orphanet 231169, Orphanet 886, MedGen C1568247, MONDO:0010168, OMIM 276900.
CDH23-related disorder. Also called: CDH23-related condition; CDH23-related disorders.

Allele frequency attached by ClinVar (database versions not stated): gnomAD 0.00002; TOPMed 0.00003.
gnomAD v4.1: 10 of 1,613,794 alleles (0.00062%); highest among the groups gnomAD compares: South Asian, 0.0011%; no homozygotes.

Submissions (5):

Labcorp Genetics (formerly Invitae), Labcorp
Classification: Likely benign. Last evaluated: 2026-01-22. Review status: criteria provided, single submitter. Criteria: Invitae Variant Classification Sherloc (09022015). Collection method: clinical testing. Allele origin: germline.

PreventionGenetics, part of Exact Sciences
Classification: Likely benign for CDH23-related condition. Last evaluated: 2025-06-26. Review status: criteria provided, single submitter. Criteria: ACMG Guidelines, 2015. Collection method: clinical testing. Allele origin: germline.
Comment: This variant is classified as likely benign based on ACMG/AMP sequence variant interpretation guidelines (Richards et al. 2015 PMID: 25741868, with internal and published modifications).

Blueprint Genetics
Classification: Likely benign. Last evaluated: 2022-11-05. Review status: criteria provided, single submitter. Criteria: ACMG Guidelines, 2015. Collection method: clinical testing. Allele origin: germline.

GeneDx
Classification: Likely benign. Last evaluated: 2019-07-05. Review status: criteria provided, single submitter. Criteria: GeneDx Variant Classification Process June 2021. Collection method: clinical testing. Allele origin: germline. Affected: yes.

Natera, Inc.
Classification: Uncertain significance for Usher syndrome type 1. Last evaluated: 2020-04-17. Review status: no assertion criteria provided. Collection method: clinical testing. Allele origin: germline. Not counted in ClinVar's aggregate classification.

NM_022124.6(CDH23):c.8283C>T (p.Asn2761=)

Gene: CDH23 (cadherin related 23; plus strand). Cytogenetic location: 10q22.1.
Variant type: single nucleotide variant.
Coding change: c.8283C>T on transcript NM_022124.6 (MANE Select); coding-DNA position 8283, C replaced by T.
Protein change: p.Asn2761=; no amino-acid change (asparagine 2761 retained).
Molecular consequence: synonymous variant.
Genome position (GRCh38, 1-based): chr10:71,807,381, C>T. VCF-style: chr10-71807381-C-T. GRCh37 (hg19) VCF-style: chr10-73567138-C-T.
Other names: c.1563C>T, p.Asn521= (NM_001171933.1, NM_001171934.1).
Identifiers: ClinVar variation 682356 (VCV000682356.13), dbSNP rs397517357, ClinGen allele CA5546596.